The following is an entry in ClinVar:

NM_001080414.4(CCDC88C):c.5636G>A (p.Arg1879Gln)

Gene: CCDC88C (coiled-coil and HOOK domain protein 88C; minus strand). Cytogenetic location: 14q32.11.
Variant type: single nucleotide variant.
Coding change: c.5636G>A on transcript NM_001080414.4 (MANE Select); coding-DNA position 5636, G replaced by A.
Protein change: p.Arg1879Gln; replaces arginine 1879 with glutamine.
Molecular consequence: missense variant. On other transcripts: non-coding transcript variant (2).
Genome position (GRCh38, 1-based): chr14:91,273,076, C>T on the plus strand (G>A on the coding strand, the complement: CCDC88C is on the minus strand). VCF-style: chr14-91273076-C-T. GRCh37 (hg19) VCF-style: chr14-91739420-C-T.
Other names: short protein forms R1879Q.
Identifiers: ClinVar variation 5003899 (VCV005003899.1).
Genomic context (GRCh38, chr14:91,273,076, plus strand): 5'-AGGGGGGCCAGCCTCTCCTCCTTTGGGGGAGCCAGGGAGAAGCGCCTCGTGTCCAGCGGC[C>T]GGCTGCGGGGACCTGGGCCCTGACAGGAGCTGCCAGCCTTTCCCACAAGTGGGGTCCGCT-3'
Protein context (NP_001073883.2, residues 1869-1889): SSCQGPGPRS[Arg1879Gln]PLDTRRFSLA

ClinVar aggregate classification (germline): Uncertain significance (1 of 4 stars; one submission).

Conditions:
Hydrocephalus, nonsyndromic, autosomal recessive 1 (HYC1). Also called: Congenital hydrocephalus 1; Hydrocephalus, nonsyndromic, autosomal recessive. Identifiers: Orphanet 2185, MedGen C3887608, MONDO:0009360, OMIM 236600.

gnomAD v4.1: 17 of 1,559,726 alleles (0.0011%); highest among the groups gnomAD compares: Middle Eastern, 0.017%; no homozygotes.

Submission:

Myriad Genetics, Inc.
Classification: Uncertain significance for Hydrocephalus, nonsyndromic, autosomal recessive 1. Last evaluated: 2025-08-08. Review status: criteria provided, single submitter. Criteria: Myriad Autosomal Dominant, Autosomal Recessive and X-Linked Classification Criteria (2023). Collection method: clinical testing. Allele origin: unknown.
Comment: NM_001080414.3(CCDC88C):c.5636G>A(R1879Q) is a missense variant classified as a variant of uncertain significance in the context of congenital hydrocephalus, CCDC88C-related. R1879Q has not been observed in cases with relevant disease. Relevant functional assessments of this variant are not available in the literature. R1879Q has been observed in referenced population frequency databases. In summary, there is insufficient evidence to classify NM_001080414.3(CCDC88C):c.5636G>A(R1879Q) as pathogenic or benign. Please note: this variant was assessed in the context of healthy population screening.